The following is an entry in ClinVar:

ClinVar aggregate classification (germline): Likely benign. Review status: criteria provided, multiple submitters, no conflicts (2 of 4 stars). 2 submissions from 2 submitters: Likely benign (2). Last evaluated 2023-07-13.

Conditions:
Developmental and epileptic encephalopathy, 36 (DEE36). Also called: Congenital disorder of glycosylation, type Is; Epileptic encephalopathy, early infantile, 36; ALG13-CDG. Identifiers: Orphanet 324422, MedGen C4317295, MONDO:0010472, OMIM 300884.

Allele frequency attached by ClinVar (database versions not stated): TOPMed below 0.00001.

Submissions (2):

Labcorp Genetics (formerly Invitae), Labcorp
Classification: Likely benign for Developmental and epileptic encephalopathy, 36. Last evaluated: 2023-07-13. Review status: criteria provided, single submitter. Criteria: Invitae Variant Classification Sherloc (09022015). Collection method: clinical testing. Allele origin: germline.

GeneDx
Classification: Likely benign. Last evaluated: 2017-11-14. Review status: criteria provided, single submitter. Criteria: GeneDx Variant Classification (06012015). Collection method: clinical testing. Allele origin: germline. Affected: yes.
Comment: This variant is considered likely benign or benign based on one or more of the following criteria: it is a conservative change, it occurs at a poorly conserved position in the protein, it is predicted to be benign by multiple in silico algorithms, and/or has population frequency not consistent with disease.

NM_001099922.3(ALG13):c.2892A>G (p.Pro964=)

Gene: ALG13 (ALG13 UDP-N-acetylglucosaminyltransferase subunit; plus strand). Cytogenetic location: Xq23.
Variant type: single nucleotide variant.
Coding change: c.2892A>G on transcript NM_001099922.3 (MANE Select); coding-DNA position 2892, A replaced by G.
Protein change: p.Pro964=; no amino-acid change (proline 964 retained).
Molecular consequence: synonymous variant. On other transcripts: intron variant (5).
Genome position (GRCh38, 1-based): chrX:111,744,864, A>G. VCF-style: chrX-111744864-A-G. GRCh37 (hg19) VCF-style: chrX-110988092-A-G.
Other names: c.2658A>G, p.Pro886= (NM_001257231.2); c.2384-7926A>G (NM_001257237.2, NM_001257234.2, NM_001257230.2); c.2210-7926A>G (NM_001324293.1); c.2696-7926A>G (NM_001324292.2).
Identifiers: ClinVar variation 513317 (VCV000513317.9), dbSNP rs1556523067, ClinGen allele CA518059877.